The following is an entry in ClinVar:

ClinVar aggregate classification (germline): Likely pathogenic (1 of 4 stars; one submission).

Conditions:
Cholestasis, intrahepatic, of pregnancy, 3. Identifiers: Orphanet 69665, MedGen C3554241, MONDO:0013995, OMIM 614972.
Low phospholipid associated cholelithiasis (GBD1). Also called: Gallstone cholecystitis; Gallbladder disease 1. Identifiers: Orphanet 69663, MedGen C2609268, MONDO:0010939, OMIM 600803.
Progressive familial intrahepatic cholestasis type 3. Also called: MDR3 DEFICIENCY; Low Gamma-GT Familial Intrahepatic Cholestasis. Identifiers: Orphanet 79305, MedGen C1865643, MONDO:0011214, OMIM 602347.

Submission:

First Genomix Gene Laboratory, Genetic Diagnostics Department
Classification: Likely pathogenic for Cholestasis, intrahepatic, of pregnancy, 3; Progressive familial intrahepatic cholestasis type 3; Low phospholipid associated cholelithiasis. Last evaluated: 2025-08-05. Review status: criteria provided, single submitter. Criteria: ACMG Guidelines, 2015. Collection method: clinical testing. Allele origin: germline. Inheritance: Autosomal recessive inheritance. Affected: no. Observed: 1 variant allele.

NM_000443.4(ABCB4):c.36G>A (p.Trp12Ter)

Genes: ABCB4 (ATP binding cassette subfamily B member 4; minus strand), LOC129998756 (ATAC-STARR-seq lymphoblastoid silent region 18347; plus strand). Cytogenetic location: 7q21.12.
Variant type: single nucleotide variant.
Coding change: c.36G>A on transcript NM_000443.4 (MANE Select); coding-DNA position 36, G replaced by A.
Protein change: p.Trp12Ter; replaces tryptophan 12 with a stop codon.
Molecular consequence: nonsense.
Genome position (GRCh38, 1-based): chr7:87,475,430, C>T on the plus strand (G>A on the coding strand, the complement: ABCB4 is on the minus strand). VCF-style: chr7-87475430-C-T. GRCh37 (hg19) VCF-style: chr7-87104746-C-T.
Other names: c.36G>A, p.Trp12Ter (NM_018849.3, NM_018850.3); short protein forms W12*.
Identifiers: ClinVar variation 4850588 (VCV004850588.1).